The following is an entry in ClinVar:

ClinVar aggregate classification (germline): Likely benign (0 of 4 stars; one submission).

Conditions:
GDF6-related disorder. Also called: GDF6-related condition.

Allele frequency attached by ClinVar (database versions not stated): gnomAD exomes below 0.00001.

Submission:

PreventionGenetics, part of Exact Sciences
Classification: Likely benign for GDF6-related condition. Last evaluated: 2020-06-11. Review status: no assertion criteria provided. Collection method: clinical testing. Allele origin: germline.
Comment: This variant is classified as likely benign based on ACMG/AMP sequence variant interpretation guidelines (Richards et al. 2015 PMID: 25741868, with internal and published modifications).

NM_001001557.4(GDF6):c.996G>C (p.Arg332=)

Gene: GDF6 (growth differentiation factor 6; minus strand). Cytogenetic location: 8q22.1.
Variant type: single nucleotide variant.
Coding change: c.996G>C on transcript NM_001001557.4 (MANE Select); coding-DNA position 996, G replaced by C.
Protein change: p.Arg332=; no amino-acid change (arginine 332 retained).
Molecular consequence: synonymous variant.
Genome position (GRCh38, 1-based): chr8:96,144,935, C>G on the plus strand (G>C on the coding strand, the complement: GDF6 is on the minus strand). VCF-style: chr8-96144935-C-G. GRCh37 (hg19) VCF-style: chr8-97157163-C-G.
Identifiers: ClinVar variation 3035383 (VCV003035383.2), dbSNP rs1224870639, ClinGen allele CA462454547.